The following is an entry in ClinVar:

ClinVar aggregate classification (germline): Uncertain significance (1 of 4 stars; one submission).

Conditions:
Stormorken syndrome (STRMK). Also called: THROMBOCYTOPATHY, ASPLENIA, AND MIOSIS. Identifiers: Orphanet 3204, MedGen C1861451, MONDO:0008497, OMIM 185070.
Combined immunodeficiency due to STIM1 deficiency. Also called: IMMUNODEFICIENCY 10; STIM1 DEFICIENCY. Identifiers: Orphanet 169090, Orphanet 317430, MedGen C2748557, MONDO:0013008, OMIM 612783.
Myopathy with tubular aggregates (TAM). Also called: Tubular Aggregate Myopathy. Identifiers: Orphanet 2593, MedGen C0410207, MONDO:0008051.

Submission:

Labcorp Genetics (formerly Invitae), Labcorp
Classification: Uncertain significance for Myopathy with tubular aggregates; Combined immunodeficiency due to STIM1 deficiency; Stormorken syndrome. Last evaluated: 2022-08-08. Review status: criteria provided, single submitter. Criteria: Invitae Variant Classification Sherloc (09022015). Collection method: clinical testing. Allele origin: germline.
Comment: This variant has not been reported in the literature in individuals affected with STIM1-related conditions. This variant is not present in population databases (gnomAD no frequency). This sequence change affects codon 166 of the STIM1 mRNA. It is a 'silent' change, meaning that it does not change the encoded amino acid sequence of the STIM1 protein. It affects a nucleotide within the consensus splice site. Algorithms developed to predict the effect of sequence changes on RNA splicing suggest that this variant is not likely to affect RNA splicing. In summary, the available evidence is currently insufficient to determine the role of this variant in disease. Therefore, it has been classified as a Variant of Uncertain Significance.

NM_001382567.1(STIM1):c.498G>A (p.Arg166=)

Gene: STIM1 (stromal interaction molecule 1; plus strand). Cytogenetic location: 11p15.4.
Variant type: single nucleotide variant.
Coding change: c.498G>A on transcript NM_001382567.1 (MANE Select); coding-DNA position 498, G replaced by A.
Protein change: p.Arg166=; no amino-acid change (arginine 166 retained).
Molecular consequence: synonymous variant. On other transcripts: non-coding transcript variant (3), intron variant (1).
Genome position (GRCh38, 1-based): chr11:4,059,281, G>A. VCF-style: chr11-4059281-G-A. GRCh37 (hg19) VCF-style: chr11-4080511-G-A.
Other names: c.498G>A, p.Arg166= (NM_001277961.3, NM_001277962.2, NM_001382568.1 and 2 more transcripts); c.276G>A, p.Arg92= (NM_001382566.1, NM_001382573.1, NM_001382574.1 and 5 more transcripts); c.363G>A, p.Arg121= (NM_001382569.1); c.18G>A, p.Arg6= (NM_001382571.1); c.9G>A, p.Arg3= (NM_001382580.1, NM_001382581.1); c.386-10745G>A (NM_001382570.1).
Identifiers: ClinVar variation 2022928 (VCV002022928.4), dbSNP rs776209475, ClinGen allele CA472802263.